The following is an entry in ClinVar:

NM_025137.4(SPG11):c.4659G>A (p.Met1553Ile)

Gene: SPG11 (SPG11 vesicle trafficking associated, spatacsin; minus strand). Cytogenetic location: 15q21.1.
Variant type: single nucleotide variant.
Coding change: c.4659G>A on transcript NM_025137.4 (MANE Select); coding-DNA position 4659, G replaced by A.
Protein change: p.Met1553Ile; replaces methionine 1553 with isoleucine.
Molecular consequence: missense variant.
Genome position (GRCh38, 1-based): chr15:44,592,415, C>T on the plus strand (G>A on the coding strand, the complement: SPG11 is on the minus strand). VCF-style: chr15-44592415-C-T. GRCh37 (hg19) VCF-style: chr15-44884613-C-T.
Other names: c.4659G>A, p.Met1553Ile (NM_001160227.2, NM_001411132.1); short protein forms M1553I.
Identifiers: ClinVar variation 1913243 (VCV001913243.3), dbSNP rs780317251, ClinGen allele CA7534619.

ClinVar aggregate classification (germline): Uncertain significance (1 of 4 stars; one submission).

Conditions:
Hereditary spastic paraplegia 11. Also called: Spastic paraplegia, mental retardation and thin corpus callosum; Nakamura Osame syndrome; Autosomal recessive hereditary spastic paraplegia, mental impairment, and thin corpus callosum; SPASTIC PARAPLEGIA, AUTOSOMAL RECESSIVE, COMPLICATED, WITH THIN CORPUS CALLOSUM; SPASTIC PARAPLEGIA, AUTOSOMAL RECESSIVE, WITH MENTAL IMPAIRMENT AND THIN CORPUS CALLOSUM; Spastic Paraplegia 11. Identifiers: Orphanet 2822, MedGen C1858479, MONDO:0011445, OMIM 604360.

Allele frequency attached by ClinVar (database versions not stated): gnomAD exomes below 0.00001; ExAC 0.00001; gnomAD 0.00003; TOPMed 0.00003.

Submission:

Labcorp Genetics (formerly Invitae), Labcorp
Classification: Uncertain significance for Hereditary spastic paraplegia 11. Last evaluated: 2022-05-25. Review status: criteria provided, single submitter. Criteria: Invitae Variant Classification Sherloc (09022015). Collection method: clinical testing. Allele origin: germline.
Comment: This variant has not been reported in the literature in individuals affected with SPG11-related conditions. In summary, the available evidence is currently insufficient to determine the role of this variant in disease. Therefore, it has been classified as a Variant of Uncertain Significance. Algorithms developed to predict the effect of sequence changes on RNA splicing suggest that this variant may create or strengthen a splice site. Algorithms developed to predict the effect of missense changes on protein structure and function output the following: SIFT: "Tolerated"; PolyPhen-2: "Benign"; Align-GVGD: "Class C0". The isoleucine amino acid residue is found in multiple mammalian species, which suggests that this missense change does not adversely affect protein function. This variant is present in population databases (rs780317251, gnomAD 0.01%). This sequence change replaces methionine, which is neutral and non-polar, with isoleucine, which is neutral and non-polar, at codon 1553 of the SPG11 protein (p.Met1553Ile).